The following is an entry in ClinVar:

ClinVar aggregate classification (germline): Uncertain significance. Review status: criteria provided, multiple submitters, no conflicts (2 of 4 stars). 3 submissions from 3 submitters: Uncertain significance (3). Last evaluated 2025-08-05.

Conditions:
Cardiovascular phenotype. Identifiers: MedGen CN230736.
Duchenne muscular dystrophy (DMD). Also called: MUSCULAR DYSTROPHY, PSEUDOHYPERTROPHIC PROGRESSIVE, DUCHENNE TYPE; Duchenne Muscular Dystrophy (DMD). Identifiers: Orphanet 98896, MedGen C0013264, MONDO:0010679, OMIM 310200.
Becker muscular dystrophy (BMD). Also called: MUSCULAR DYSTROPHY, PSEUDOHYPERTROPHIC PROGRESSIVE, BECKER TYPE; Becker Muscular Dystrophy (BMD). Identifiers: Orphanet 98895, MedGen C0917713, MONDO:0010311, OMIM 300376.
Neuromuscular disease caused by qualitative or quantitative defects of dystrophin. Also called: Qualitative or quantitative defects of dystrophin. Identifiers: Orphanet 207085, MedGen C5679787, MONDO:0016147.
Dilated cardiomyopathy 3B (CMD3B). Also called: CMD3B: DMD-Related Dilated Cardiomyopathy; CARDIOMYOPATHY, DILATED, X-LINKED; DMD-Associated Dilated Cardiomyopathy. Identifiers: Orphanet 154, MedGen C3668940, MONDO:0010542, OMIM 302045.

Submissions (3):

Labcorp Genetics (formerly Invitae), Labcorp
Classification: Uncertain significance for Duchenne muscular dystrophy. Last evaluated: 2025-08-05. Review status: criteria provided, single submitter. Criteria: Invitae Variant Classification Sherloc (09022015). Collection method: clinical testing. Allele origin: germline.
Comment: This sequence change falls in intron 1 of the DMD gene. It does not directly change the encoded amino acid sequence of the DMD protein. It affects a nucleotide within the consensus splice site. This variant is not present in population databases (gnomAD no frequency). This variant has not been reported in the literature in individuals affected with DMD-related conditions. ClinVar contains an entry for this variant (Variation ID: 951471). Variants that disrupt the consensus splice site are a relatively common cause of aberrant splicing (PMID: 17576681, 9536098). Algorithms developed to predict the effect of sequence changes on RNA splicing suggest that this variant may disrupt the consensus splice site. In summary, the available evidence is currently insufficient to determine the role of this variant in disease. Therefore, it has been classified as a Variant of Uncertain Significance.

Clinical Genomics Laboratory, Stanford Medicine
Classification: Uncertain significance for Neuromuscular disease caused by qualitative or quantitative defects of dystrophin; Duchenne muscular dystrophy; Becker muscular dystrophy; Dilated cardiomyopathy 3B. Last evaluated: 2022-12-19. Review status: criteria provided, single submitter. Criteria: ACMG Guidelines, 2015. Collection method: clinical testing. Allele origin: germline. Affected: yes. Observed: 1 variant allele, 1 hemizygote.
Comment: The c.31+2dup variant in the DMD gene has not been previously reported in association with disease. This variant was absent from large population databases, including the Genome Aggregation Database. This variant alters the canonical donor splice site in intron 1, which is predicted to result in abnormal gene splicing. Computational tools predict an impact to splicing; however, the accuracy of these computational tools is limited. These data were assessed using the ACMG/AMP variant interpretation guidelines. In summary, the significance of the c.31+2dup variant is uncertain. Additional information is needed to resolve the significance of this variant. [ACMG evidence codes used: PM2; PP3]

Ambry Genetics
Classification: Uncertain significance for Cardiovascular phenotype. Last evaluated: 2022-12-09. Review status: criteria provided, single submitter. Criteria: Ambry Variant Classification Scheme 2023. Collection method: clinical testing. Allele origin: germline.
Comment: The c.31+2dupT intronic variant, results from a duplication of one nucleotide after coding exon 1 of the DMD gene. This variant (referred to as c.31+3insT) has been detected in individuals reported to have dilated cardiomyopathy (Wang Z et al. Zhonghua Yi Xue Yi Chuan Xue Za Zhi, 2019 Jul;36:666-671; Ambry internal data). This nucleotide position is highly conserved in available vertebrate species. In silico splice site analysis predicts that this alteration will weaken the native splice donor site. Since supporting evidence is limited at this time, the clinical significance of this alteration remains unclear.

Literature cited by the submitters: PubMed 17576681 (cited by Labcorp Genetics (formerly Invitae), Labcorp); PubMed 9536098 (cited by Labcorp Genetics (formerly Invitae), Labcorp); PubMed 31302907 (cited by Ambry Genetics).

NM_004006.3(DMD):c.31+2dup

Gene: DMD (dystrophin; minus strand). Cytogenetic location: Xp21.1.
Variant type: Duplication.
Coding change: c.31+2dup on transcript NM_004006.3 (MANE Select); the canonical splice donor site of the intron after coding-DNA position 31, one base duplicated (T; older notation c.31+2dupT).
Molecular consequence: splice donor variant. On other transcripts: intron variant (1).
Genome position (GRCh38, 1-based): chrX:33,211,280, A duplicated on the plus strand (T on the coding strand, the reverse complement: DMD is on the minus strand). VCF-style (leftmost placement, unchanged base first): chrX-33211279-T-TA. GRCh37 (hg19) VCF-style: chrX-33229396-T-TA.
Other names: c.31+2dupT (NM_004006.2, NM_004006.3); c.7+127979dup (NM_000109.4).
Identifiers: ClinVar variation 951471 (VCV000951471.12), dbSNP rs2051897744, ClinGen allele CA515867369.
Genomic context (GRCh38, chrX:33,211,279, plus strand): 5'-GAGCTTGTCACAAACTAAACGTTATGCCACAGTAAAATATATTTTTAGTTACTTTGTACT[T>TA]ACAACAGTCCTCTACTTCTTCCCACCAAAGCATTTTGAAAAGTGTATATCAAGGCAGCGA-3'